The following is an entry in ClinVar:

NM_001330078.2(NRXN1):c.4510G>A (p.Glu1504Lys)

Gene: NRXN1 (neurexin 1; minus strand). Cytogenetic location: 2p16.3.
Variant type: single nucleotide variant.
Coding change: c.4510G>A on transcript NM_001330078.2 (MANE Select); coding-DNA position 4510, G replaced by A.
Protein change: p.Glu1504Lys; replaces glutamic acid 1504 with lysine.
Molecular consequence: missense variant.
Genome position (GRCh38, 1-based): chr2:49,921,958, C>T on the plus strand (G>A on the coding strand, the complement: NRXN1 is on the minus strand). VCF-style: chr2-49921958-C-T. GRCh37 (hg19) VCF-style: chr2-50149096-C-T.
Other names: c.4630G>A, p.Glu1544Lys (NM_001135659.3); c.415G>A, p.Glu139Lys (NM_001320156.4); c.406G>A, p.Glu136Lys (NM_001320157.4); c.4486G>A, p.Glu1496Lys (NM_001330077.2); c.4477G>A, p.Glu1493Lys (NM_001330082.2); c.4345G>A, p.Glu1449Lys (NM_001330083.2); c.4444G>A, p.Glu1482Lys (NM_001330084.2); c.4483G>A, p.Glu1495Lys (NM_001330085.2); and 12 more; short protein forms E1482K, E1495K, E436K, E469K, E1493K, E1544K, E439K, E1434K.
Identifiers: ClinVar variation 4741756 (VCV004741756.1).

ClinVar aggregate classification (germline): Uncertain significance (1 of 4 stars; one submission).

Conditions:
Pitt-Hopkins-like syndrome 2 (PTHSL2). Identifiers: Orphanet 221150, Orphanet 600663, MedGen C3280479, MONDO:0013690, OMIM 614325.

Submission:

Labcorp Genetics (formerly Invitae), Labcorp
Classification: Uncertain significance for Pitt-Hopkins-like syndrome 2. Last evaluated: 2025-07-15. Review status: criteria provided, single submitter. Criteria: Invitae Variant Classification Sherloc (09022015). Collection method: clinical testing. Allele origin: germline.
Comment: This sequence change replaces glutamic acid, which is acidic and polar, with lysine, which is basic and polar, at codon 1544 of the NRXN1 protein (p.Glu1544Lys). This variant is not present in population databases (gnomAD no frequency). This variant has not been reported in the literature in individuals affected with NRXN1-related conditions. Invitae Evidence Modeling of protein sequence and biophysical properties (such as structural, functional, and spatial information, amino acid conservation, physicochemical variation, residue mobility, and thermodynamic stability) indicates that this missense variant is expected to disrupt NRXN1 protein function with a positive predictive value of 80%. In summary, the available evidence is currently insufficient to determine the role of this variant in disease. Therefore, it has been classified as a Variant of Uncertain Significance.